The following is an entry in ClinVar:

NM_015662.3(IFT172):c.4300G>C (p.Ala1434Pro)

Gene: IFT172 (intraflagellar transport 172; minus strand). Cytogenetic location: 2p23.3.
Variant type: single nucleotide variant.
Coding change: c.4300G>C on transcript NM_015662.3 (MANE Select); coding-DNA position 4300, G replaced by C.
Protein change: p.Ala1434Pro; replaces alanine 1434 with proline.
Molecular consequence: missense variant.
Genome position (GRCh38, 1-based): chr2:27,449,305, C>G on the plus strand (G>C on the coding strand, the complement: IFT172 is on the minus strand). VCF-style: chr2-27449305-C-G. GRCh37 (hg19) VCF-style: chr2-27672172-C-G.
Other names: short protein forms A1434P.
Identifiers: ClinVar variation 1522568 (VCV001522568.8), dbSNP rs1465201525, ClinGen allele CA346420694.
Genomic context (GRCh38, chr2:27,449,305, plus strand): 5'-AATCAAGGGAAAATGTAAAGAAAAACTGGGAATGGGAAGAGAGCAGTACCTGCTTGGTAG[C>G]TGTTTCAATGCACTTGTCCCACTGGCCCTGCTCCACATACAGGTCCAAAGCAGCTATCAC-3'
Protein context (NP_056477.1, residues 1424-1444): QGQWDKCIET[Ala1434Pro]TKQNYKILHK

ClinVar aggregate classification (germline): Uncertain significance (1 of 4 stars; one submission).

Conditions:
Retinitis pigmentosa 71 (RP71). Identifiers: Orphanet 791, MedGen C4225342, MONDO:0014618, OMIM 616394.
Short-rib thoracic dysplasia 10 with or without polydactyly (SRTD10). Identifiers: Orphanet 474, MedGen C3810175, MONDO:0014284, OMIM 615630.

Allele frequency attached by ClinVar (database versions not stated): gnomAD exomes below 0.00001.
gnomAD v4.1: 1 of 1,614,136 alleles (0.000062%); highest among the groups gnomAD compares: Non-Finnish European, 0.000085%; no homozygotes.

Submission:

Labcorp Genetics (formerly Invitae), Labcorp
Classification: Uncertain significance for Retinitis pigmentosa 71; Short-rib thoracic dysplasia 10 with or without polydactyly. Last evaluated: 2021-05-28. Review status: criteria provided, single submitter. Criteria: Invitae Variant Classification Sherloc (09022015). Collection method: clinical testing. Allele origin: germline.
Comment: In summary, the available evidence is currently insufficient to determine the role of this variant in disease. Therefore, it has been classified as a Variant of Uncertain Significance. Algorithms developed to predict the effect of missense changes on protein structure and function are either unavailable or do not agree on the potential impact of this missense change (SIFT: "Deleterious"; PolyPhen-2: "Probably Damaging"; Align-GVGD: "Class C0"). This variant has been observed in individual(s) with clinical features of Bardet-Biedl syndrome (Invitae). In at least one individual the data is consistent with the variant being in trans (on the opposite chromosome) from a pathogenic variant. This variant is not present in population databases (ExAC no frequency). This sequence change replaces alanine with proline at codon 1434 of the IFT172 protein (p.Ala1434Pro). The alanine residue is highly conserved and there is a small physicochemical difference between alanine and proline.